The following is an entry in ClinVar:

NM_001197104.2(KMT2A):c.7874G>A (p.Arg2625His)

Gene: KMT2A (lysine methyltransferase 2A; plus strand). Cytogenetic location: 11q23.3.
Variant type: single nucleotide variant.
Coding change: c.7874G>A on transcript NM_001197104.2 (MANE Select); coding-DNA position 7874, G replaced by A.
Protein change: p.Arg2625His; replaces arginine 2625 with histidine.
Molecular consequence: missense variant.
Genome position (GRCh38, 1-based): chr11:118,503,766, G>A. VCF-style: chr11-118503766-G-A. GRCh37 (hg19) VCF-style: chr11-118374481-G-A.
Other names: c.7964G>A, p.Arg2655His (NM_001412597.1); c.7865G>A, p.Arg2622His (NM_005933.4); short protein forms R2625H, R2655H, R2622H.
Identifiers: ClinVar variation 2830190 (VCV002830190.3), dbSNP rs1555046870, ClinGen allele CA382807598.

ClinVar aggregate classification (germline): Uncertain significance (1 of 4 stars; one submission).

Allele frequency attached by ClinVar (database versions not stated): gnomAD exomes below 0.00001.
gnomAD v4.1: 1 of 1,614,162 alleles (0.000062%); highest among the groups gnomAD compares: Non-Finnish European, 0.000085%; no homozygotes.

Submission:

Labcorp Genetics (formerly Invitae), Labcorp
Classification: Uncertain significance. Last evaluated: 2024-07-02. Review status: criteria provided, single submitter. Criteria: Invitae Variant Classification Sherloc (09022015). Collection method: clinical testing. Allele origin: germline.
Comment: This sequence change replaces arginine, which is basic and polar, with histidine, which is basic and polar, at codon 2625 of the KMT2A protein (p.Arg2625His). This variant is present in population databases (no rsID available, gnomAD 0.0009%). This variant has not been reported in the literature in individuals affected with KMT2A-related conditions. Advanced modeling of protein sequence and biophysical properties (such as structural, functional, and spatial information, amino acid conservation, physicochemical variation, residue mobility, and thermodynamic stability) has been performed at Invitae for this missense variant, however the output from this modeling did not meet the statistical confidence thresholds required to predict the impact of this variant on KMT2A protein function. In summary, the available evidence is currently insufficient to determine the role of this variant in disease. Therefore, it has been classified as a Variant of Uncertain Significance.